The following is an entry in ClinVar:

ClinVar aggregate classification (germline): Uncertain significance (1 of 4 stars; one submission).

Submission:

Women's Health and Genetics/Laboratory Corporation of America, LabCorp
Classification: Uncertain significance. Last evaluated: 2026-05-06. Review status: criteria provided, single submitter. Criteria: LabCorp Variant Classification Summary - May 2015. Collection method: clinical testing. Allele origin: germline.
Comment: Variant summary: NEB c.25402G>T (p.Ala8468Ser) results in a conservative amino acid change in the encoded protein sequence near a canonical splice site.. Algorithms developed to predict the effect of missense changes on protein structure and function are either unavailable or do not agree on the potential impact of this missense change. Several computational tools predict a significant impact on normal splicing: Three predict the variant abolishes the canonical 5' splicing donor site and one predicts the variant weakens the 5' donor site. However, these predictions have yet to be confirmed by functional studies. The variant was absent in 210282 control chromosomes. The available data on variant occurrences in the general population are insufficient to allow any conclusion about variant significance. To our knowledge, no occurrence of c.25402G>T in individuals affected with NEB-related conditions and no experimental evidence demonstrating its impact on protein function have been reported. No submitters have cited clinical-significance assessments for this variant to ClinVar. Based on the evidence outlined above, the variant was classified as uncertain significance.

NM_001164508.2(NEB):c.25297G>T (p.Ala8433Ser)

Genes: NEB (nebulin; minus strand), RIF1 (replication timing regulatory factor 1; plus strand). Cytogenetic location: 2q23.3.
Variant type: single nucleotide variant.
Coding change: c.25297G>T on transcript NM_001164508.2 (MANE Select); coding-DNA position 25297, G replaced by T.
Protein change: p.Ala8433Ser; replaces alanine 8433 with serine.
Molecular consequence: missense variant.
Genome position (GRCh38, 1-based): chr2:151,490,372, C>A on the plus strand (G>T on the coding strand, the complement: NEB is on the minus strand). VCF-style: chr2-151490372-C-A. GRCh37 (hg19) VCF-style: chr2-152346886-C-A.
Other names: c.25297G>T, p.Ala8433Ser (NM_001164507.2); c.25402G>T, p.Ala8468Ser (NM_001271208.2); c.19729G>T, p.Ala6577Ser (NM_004543.5); short protein forms A6577S, A8433S, A8468S.
Identifiers: ClinVar variation 4853533 (VCV004853533.1).